The following is an entry in ClinVar:

ClinVar aggregate classification (germline): Pathogenic (1 of 4 stars; one submission).

Conditions:
Very long chain acyl-CoA dehydrogenase deficiency (ACADVLD). Also called: VLCAD Deficiency; Very Long-Chain Acyl-Coenzyme A Dehydrogenase Deficiency. Identifiers: Orphanet 26793, MedGen C3887523, MONDO:0008723, OMIM 201475.

Submission:

Myriad Genetics, Inc.
Classification: Pathogenic for Very long chain acyl-CoA dehydrogenase deficiency. Last evaluated: 2024-08-18. Review status: criteria provided, single submitter. Criteria: Myriad Autosomal Dominant, Autosomal Recessive and X-Linked Classification Criteria (2023). Collection method: clinical testing. Allele origin: unknown.
Comment: NM_000018.3(ACADVL):c.590delA(Q197Rfs*20) is expected to be pathogenic in the context of very-long-chain acyl-CoA dehydrogenase deficiency. This variant is predicted to lead to an abnormal or absent protein product due to the creation of a premature termination codon in ACADVL, a gene where loss-of-function variants are known to be pathogenic. Please note: this variant was assessed in the context of healthy population screening.

NM_000018.4(ACADVL):c.590del (p.Gln197fs)

Gene: ACADVL (acyl-CoA dehydrogenase very long chain; plus strand). Cytogenetic location: 17p13.1.
Variant type: Deletion.
Coding change: c.590del on transcript NM_000018.4 (MANE Select); coding-DNA position 590, one base deleted (A; older notation c.590delA).
Protein change: p.Gln197fs; shifts the reading frame from glutamine 197.
Molecular consequence: frameshift variant.
Genome position (GRCh38, 1-based): chr17:7,221,650, A deleted. VCF-style (leftmost placement, unchanged base first): chr17-7221649-CA-C. GRCh37 (hg19) VCF-style: chr17-7124968-CA-C.
Other names: c.524del, p.Gln175fs (NM_001033859.3); c.659del, p.Gln220fs (NM_001270447.2); c.362del, p.Gln121fs (NM_001270448.2); short protein forms Q121fs, Q175fs, Q197fs, Q220fs.
Identifiers: ClinVar variation 5013456 (VCV005013456.1).